The following is an entry in ClinVar:

ClinVar aggregate classification (germline): Uncertain significance. Review status: criteria provided, multiple submitters, no conflicts (2 of 4 stars). 2 submissions from 2 submitters: Uncertain significance (2). Last evaluated 2025-01-14.

Conditions:
Hereditary cancer-predisposing syndrome. Also called: Neoplastic Syndromes, Hereditary; Tumor predisposition; Hereditary Cancer Syndrome; Hereditary neoplastic syndrome. Identifiers: Orphanet 140162, MedGen C0027672, MeSH D009386, MONDO:0015356.
EGFR-related lung cancer (EGFR). Identifiers: MedGen CN130014.

Allele frequency attached by ClinVar (database versions not stated): gnomAD exomes below 0.00001 and 0.00001; ExAC 0.00002.
gnomAD v4.1: 7 of 1,614,126 alleles (0.00043%); highest among the groups gnomAD compares: African/African-American, 0.0013%; no homozygotes.

Submissions (2):

Ambry Genetics
Classification: Uncertain significance for Hereditary cancer-predisposing syndrome. Last evaluated: 2025-01-14. Review status: criteria provided, single submitter. Criteria: Ambry Variant Classification Scheme 2023. Collection method: clinical testing. Allele origin: germline.
Comment: The p.R451H variant (also known as c.1352G>A), located in coding exon 12 of the EGFR gene, results from a G to A substitution at nucleotide position 1352. The arginine at codon 451 is replaced by histidine, an amino acid with highly similar properties. This amino acid position is highly conserved in available vertebrate species. In addition, the in silico prediction for this alteration is inconclusive. Based on the available evidence, the clinical significance of this variant remains unclear.

Labcorp Genetics (formerly Invitae), Labcorp
Classification: Uncertain significance for EGFR-related lung cancer. Last evaluated: 2023-09-12. Review status: criteria provided, single submitter. Criteria: Invitae Variant Classification Sherloc (09022015). Collection method: clinical testing. Allele origin: germline.
Comment: In summary, the available evidence is currently insufficient to determine the role of this variant in disease. Therefore, it has been classified as a Variant of Uncertain Significance. Advanced modeling of protein sequence and biophysical properties (such as structural, functional, and spatial information, amino acid conservation, physicochemical variation, residue mobility, and thermodynamic stability) performed at Invitae indicates that this missense variant is not expected to disrupt EGFR protein function. This sequence change replaces arginine, which is basic and polar, with histidine, which is basic and polar, at codon 451 of the EGFR protein (p.Arg451His). This variant is present in population databases (rs751667594, gnomAD 0.002%). This variant has not been reported in the literature in individuals affected with EGFR-related conditions. ClinVar contains an entry for this variant (Variation ID: 1026372).

NM_005228.5(EGFR):c.1352G>A (p.Arg451His)

Gene: EGFR (epidermal growth factor receptor; plus strand). Cytogenetic location: 7p11.2.
Variant type: single nucleotide variant.
Coding change: c.1352G>A on transcript NM_005228.5 (MANE Select); coding-DNA position 1352, G replaced by A.
Protein change: p.Arg451His; replaces arginine 451 with histidine.
Molecular consequence: missense variant.
Genome position (GRCh38, 1-based): chr7:55,160,192, G>A. VCF-style: chr7-55160192-G-A. GRCh37 (hg19) VCF-style: chr7-55227885-G-A.
Other names: c.1352G>A (NM_005228.3); c.1217G>A, p.Arg406His (NM_001346897.2, NM_001346899.2); c.1352G>A, p.Arg451His (NM_001346898.2, NM_201282.2, NM_201284.2); c.1193G>A, p.Arg398His (NM_001346900.2); c.551G>A, p.Arg184His (NM_001346941.2); short protein forms R184H, R398H, R406H, R451H.
Identifiers: ClinVar variation 1026372 (VCV001026372.7), dbSNP rs751667594, ClinGen allele CA4265564.
Genomic context (GRCh38, chr7:55,160,192, plus strand): 5'-AATGTAGTGGTCAGTTTTCTCTTGCAGTCGTCAGCCTGAACATAACATCCTTGGGATTAC[G>A]CTCCCTCAAGGAGATAAGTGATGGAGATGTGATAATTTCAGGAAACAAAAATTTGTGCTA-3'
Protein context (NP_005219.2, residues 441-461): VSLNITSLGL[Arg451His]SLKEISDGDV